The following is an entry in ClinVar:

ClinVar aggregate classification (germline): Likely benign. Review status: criteria provided, single submitter (1 of 4 stars). 2 submissions from 2 submitters: Likely benign (1). 1 of the submissions does not count toward it. Last evaluated 2026-09-01.

Conditions:
MAP1B-related disorder. Also called: MAP1B-related condition.

Allele frequency attached by ClinVar (database versions not stated): 1000 Genomes Project 0.00020; 1000 Genomes Project 30x 0.00031; TOPMed 0.00112; ESP Exome Variant Server 0.00115; gnomAD 0.00139; ExAC 0.00161; gnomAD exomes 0.00224.
gnomAD v4.1: 3,400 of 1,598,070 alleles (0.21%); highest among the groups gnomAD compares: Non-Finnish European, 0.26%; 5 homozygotes.

Submissions (2):

CeGaT Center for Human Genetics Tuebingen
Classification: Likely benign. Last evaluated: 2026-09-01. Review status: criteria provided, single submitter. Criteria: CeGaT Center For Human Genetics Tuebingen Variant Classification Criteria Version 2. Collection method: clinical testing. Allele origin: germline. Affected: yes. Observed: 3 variant alleles.
Comment: MAP1B: BP4, BS1

PreventionGenetics, part of Exact Sciences
Classification: Likely benign for MAP1B-related condition. Last evaluated: 2019-02-28. Review status: no assertion criteria provided. Collection method: clinical testing. Allele origin: germline. Not counted in ClinVar's aggregate classification.
Comment: This variant is classified as likely benign based on ACMG/AMP sequence variant interpretation guidelines (Richards et al. 2015 PMID: 25741868, with internal and published modifications).

NM_005909.5(MAP1B):c.184+8G>A

Gene: MAP1B (microtubule associated protein 1B; plus strand). Cytogenetic location: 5q13.2.
Variant type: single nucleotide variant.
Coding change: c.184+8G>A on transcript NM_005909.5 (MANE Select); 8 bases into the intron after coding-DNA position 184, G replaced by A.
Molecular consequence: intron variant.
Genome position (GRCh38, 1-based): chr5:72,107,723, G>A. VCF-style: chr5-72107723-G-A. GRCh37 (hg19) VCF-style: chr5-71403550-G-A.
Other names: c.184+8G>A (NM_005909.4).
Identifiers: ClinVar variation 2655511 (VCV002655511.25), dbSNP rs377729175, ClinGen allele CA3298406.